The following is an entry in ClinVar:

NM_000388.4(CASR):c.1091C>T (p.Ala364Val)

Gene: CASR (calcium sensing receptor; plus strand). Cytogenetic location: 3q21.1.
Variant type: single nucleotide variant.
Coding change: c.1091C>T on transcript NM_000388.4 (MANE Select); coding-DNA position 1091, C replaced by T.
Protein change: p.Ala364Val; replaces alanine 364 with valine.
Molecular consequence: missense variant.
Genome position (GRCh38, 1-based): chr3:122,262,126, C>T. VCF-style: chr3-122262126-C-T. GRCh37 (hg19) VCF-style: chr3-121980973-C-T.
Other names: c.1091C>T, p.Ala364Val (NM_001178065.2); short protein forms A364V.
Identifiers: ClinVar variation 1789434 (VCV001789434.2), dbSNP rs200771541, ClinGen allele CA354152572.

ClinVar aggregate classification (germline): Uncertain significance (1 of 4 stars; one submission).

Conditions:
Nephrolithiasis/nephrocalcinosis. Identifiers: MedGen CN580796.

Submission:

Ambry Genetics
Classification: Uncertain significance for Nephrolithiasis/nephrocalcinosis. Last evaluated: 2022-07-15. Review status: criteria provided, single submitter. Criteria: Ambry Variant Classification Scheme 2023. Collection method: clinical testing. Allele origin: germline.
Comment: The p.A364V variant (also known as c.1091C>T), located in coding exon 3 of the CASR gene, results from a C to T substitution at nucleotide position 1091. The alanine at codon 364 is replaced by valine, an amino acid with similar properties. This amino acid position is conserved. In addition, this alteration is predicted to be tolerated by in silico analysis. Since supporting evidence is limited at this time, the clinical significance of this alteration remains unclear.